The following is an entry in ClinVar:

NM_004656.4(BAP1):c.1734T>A (p.Gly578=)

Gene: BAP1 (BRCA1 associated deubiquitinase 1; minus strand). Cytogenetic location: 3p21.1.
Variant type: single nucleotide variant.
Coding change: c.1734T>A on transcript NM_004656.4 (MANE Select); coding-DNA position 1734, T replaced by A.
Protein change: p.Gly578=; no amino-acid change (glycine 578 retained).
Molecular consequence: synonymous variant.
Genome position (GRCh38, 1-based): chr3:52,403,294, A>T on the plus strand (T>A on the coding strand, the complement: BAP1 is on the minus strand). VCF-style: chr3-52403294-A-T. GRCh37 (hg19) VCF-style: chr3-52437310-A-T.
Identifiers: ClinVar variation 630589 (VCV000630589.12), dbSNP rs545682192, ClinGen allele CA2436725.

ClinVar aggregate classification (germline): Benign/Likely benign. Review status: criteria provided, multiple submitters, no conflicts (2 of 4 stars). 4 submissions from 4 submitters: Benign (1); Likely benign (3). Last evaluated 2025-07-31.

Conditions:
Hereditary cancer-predisposing syndrome. Also called: Tumor predisposition; Neoplastic Syndromes, Hereditary; Hereditary neoplastic syndrome; Hereditary Cancer Syndrome. Identifiers: Orphanet 140162, MedGen C0027672, MeSH D009386, MONDO:0015356.
BAP1-related tumor predisposition syndrome (TPDS1). Also called: Tumor susceptibility linked to germline BAP1 mutations; BAP1 tumor predisposition syndrome; COMMON Syndrome; TUMOR PREDISPOSITION SYNDROME 1. Identifiers: Orphanet 289539, MedGen C3280492, MONDO:0013692, OMIM 614327.

Allele frequency attached by ClinVar (database versions not stated): gnomAD 0.00002 and 0.00003; TOPMed 0.00002; 1000 Genomes Project 0.00040; 1000 Genomes Project 30x 0.00047.
gnomAD v4.1: 7 of 1,613,422 alleles (0.00043%); highest among the groups gnomAD compares: African/African-American, 0.0093%; no homozygotes.

Submissions (4):

Labcorp Genetics (formerly Invitae), Labcorp
Classification: Likely benign for BAP1-related tumor predisposition syndrome. Last evaluated: 2025-07-31. Review status: criteria provided, single submitter. Criteria: Invitae Variant Classification Sherloc (09022015). Collection method: clinical testing. Allele origin: germline.

Myriad Genetics, Inc.
Classification: Benign for BAP1-related tumor predisposition syndrome. Last evaluated: 2024-07-17. Review status: criteria provided, single submitter. Criteria: Myriad Autosomal Dominant, Autosomal Recessive and X-Linked Classification Criteria (2023). Collection method: clinical testing. Allele origin: unknown.
Comment: This variant is considered benign. This variant is a silent/synonymous amino acid change and it is not expected to impact splicing.

Ambry Genetics
Classification: Likely benign for Hereditary cancer-predisposing syndrome. Last evaluated: 2020-08-25. Review status: criteria provided, single submitter. Criteria: Ambry Variant Classification Scheme 2023. Collection method: clinical testing. Allele origin: germline.

Color Diagnostics, LLC DBA Color Health
Classification: Likely benign for Hereditary cancer-predisposing syndrome. Last evaluated: 2018-06-25. Review status: criteria provided, single submitter. Criteria: ACMG Guidelines, 2015. Collection method: clinical testing. Allele origin: germline.